The following is an entry in ClinVar:

ClinVar aggregate classification (germline): Uncertain significance (1 of 4 stars; one submission).

Allele frequency attached by ClinVar (database versions not stated): gnomAD exomes below 0.00001.
gnomAD v4.1: 4 of 1,614,202 alleles (0.00025%); highest among the groups gnomAD compares: Non-Finnish European, 0.00034%; no homozygotes.

Submission:

GeneDx
Classification: Uncertain significance. Last evaluated: 2023-06-29. Review status: criteria provided, single submitter. Criteria: GeneDx Variant Classification Process June 2021. Collection method: clinical testing. Allele origin: germline. Affected: yes.
Comment: Not observed at significant frequency in large population cohorts (gnomAD); In silico analysis supports that this missense variant has a deleterious effect on protein structure/function; Has not been previously published as pathogenic or benign to our knowledge

NM_001379200.1(TBX1):c.745C>T (p.Arg249Cys)

Gene: TBX1 (T-box transcription factor 1; plus strand). Cytogenetic location: 22q11.21.
Variant type: single nucleotide variant.
Coding change: c.745C>T on transcript NM_001379200.1 (MANE Select); coding-DNA position 745, C replaced by T.
Protein change: p.Arg249Cys; replaces arginine 249 with cysteine.
Molecular consequence: missense variant.
Genome position (GRCh38, 1-based): chr22:19,764,991, C>T. VCF-style: chr22-19764991-C-T. GRCh37 (hg19) VCF-style: chr22-19752514-C-T.
Other names: c.718C>T, p.Arg240Cys (NM_005992.1, NM_080646.2, NM_080647.1); short protein forms R240C, R249C.
Identifiers: ClinVar variation 2507182 (VCV002507182.1), dbSNP rs1936783557, ClinGen allele CA410683287.